The following is an entry in ClinVar:

NM_000492.4(CFTR):c.3908dup (p.Asn1303fs)

Gene: CFTR (CF transmembrane conductance regulator; plus strand). Cytogenetic location: 7q31.2.
Variant type: Duplication.
Coding change: c.3908dup on transcript NM_000492.4 (MANE Select); coding-DNA position 3908, one base duplicated (A; older notation c.3908dupA).
Protein change: p.Asn1303fs; shifts the reading frame from asparagine 1303.
Molecular consequence: frameshift variant.
Genome position (GRCh38, 1-based): chr7:117,652,876, A duplicated; the last of 6 consecutive A bases (chr7:117,652,871-117,652,876); duplicating any one gives the same sequence. VCF-style (leftmost placement, unchanged base first): chr7-117652870-G-GA. GRCh37 (hg19) VCF-style: chr7-117292924-G-GA.
Other names: c.3908dupA (NM_000492.3); short protein forms N1303fs.
Identifiers: ClinVar variation 53848 (VCV000053848.11), dbSNP rs397508637, ClinGen allele CA327338.
Genomic context (GRCh38, chr7:117,652,870, plus strand): 5'-ATACTTTCTTCTTCTTTTCTTTTTTGCTATAGAAAGTATTTATTTTTTCTGGAACATTTA[G>GA]AAAAAACTTGGATCCCTATGAACAGTGGAGTGATCAAGAAATATGGAAAGTTGCAGATGA-3'

ClinVar aggregate classification (germline): Pathogenic. Review status: criteria provided, multiple submitters, no conflicts (2 of 4 stars). 3 submissions from 3 submitters: Pathogenic (2). 1 of the submissions does not count toward it. Last evaluated 2025-08-05.

Conditions:
CFTR-related disorder (CFTR-RD). Also called: CFTR-related disorders; CFTR-related condition. Identifiers: MedGen C5924204, MONDO:7770004.
Cystic fibrosis (CF). Also called: MUCOVISCIDOSIS. Identifiers: Orphanet 586, MedGen C0010674, MONDO:0009061, OMIM 219700. Disease mechanism: loss of function.

Submissions (3):

Natera, Inc.
Classification: Pathogenic for CFTR-related disorders. Last evaluated: 2025-08-05. Review status: criteria provided, single submitter. Criteria: Natera Variant Classification Schema (03/2026). Collection method: clinical testing. Allele origin: germline.
Comment: The c.3908dupA variant in CFTR is a frameshift variant predicted to shift the reading frame beginning at codon 1303 and leads to a stop codon 6 codons downstream. This variant is expected to result in nonsense mediated decay, truncation, or a dysfunctional protein product. This variant is rare in the general population with a frequency below the threshold expected for the associated phenotype(s). This variant has been observed in one or more individuals affected with the associated recessive disease, as either homozygous or compound heterozygous with a second variant (PMID: 20052365). Given the available evidence, this variant is classified as Pathogenic.

Labcorp Genetics (formerly Invitae), Labcorp
Classification: Pathogenic for Cystic fibrosis. Last evaluated: 2020-01-30. Review status: criteria provided, single submitter. Criteria: Invitae Variant Classification Sherloc (09022015). Collection method: clinical testing. Allele origin: germline.
Comment: This sequence change creates a premature translational stop signal (p.Asn1303Lysfs*6) in the CFTR gene. It is expected to result in an absent or disrupted protein product. For these reasons, this variant has been classified as Pathogenic. Loss-of-function variants in CFTR are known to be pathogenic (PMID: 1695717, 7691345, 9725922). This variant has been observed in individual(s) with cystic fibrosis (PMID: 20052365). ClinVar contains an entry for this variant (Variation ID: 53848). The frequency data for this variant in the population databases is considered unreliable, as metrics indicate poor data quality at this position in the ExAC database.

ClinVar Staff, National Center for Biotechnology Information (NCBI)
No classification provided. Condition: CFTR-related disorders. Review status: no classification provided. Collection method: literature only. Allele origin: germline. Affected: yes. Not counted in ClinVar's aggregate classification.

Literature cited by the submitters: PubMed 20052365 (cited by 3 submitters); PubMed 1695717 (cited by Labcorp Genetics (formerly Invitae), Labcorp); PubMed 7691345 (cited by Labcorp Genetics (formerly Invitae), Labcorp); PubMed 9725922 (cited by Labcorp Genetics (formerly Invitae), Labcorp).